The following is an entry in ClinVar:

ClinVar aggregate classification (germline): Uncertain significance (1 of 4 stars; one submission).

Conditions:
Hereditary cancer-predisposing syndrome. Also called: Hereditary neoplastic syndrome; Neoplastic Syndromes, Hereditary; Tumor predisposition; Hereditary Cancer Syndrome. Identifiers: Orphanet 140162, MedGen C0027672, MeSH D009386, MONDO:0015356.

Submission:

Ambry Genetics
Classification: Uncertain significance for Hereditary cancer-predisposing syndrome. Last evaluated: 2025-07-18. Review status: criteria provided, single submitter. Criteria: Ambry Variant Classification Scheme 2023. Collection method: clinical testing. Allele origin: germline.
Comment: The p.M522L variant (also known as c.1564A>T), located in coding exon 12 of the APC gene, results from an A to T substitution at nucleotide position 1564. The methionine at codon 522 is replaced by leucine, an amino acid with highly similar properties. This amino acid position is highly conserved in available vertebrate species. In addition, in silico predictors for this gene do not accurately predict pathogenicity. Missense alterations in APC are not a common cause of disease (Spier I et al. Genet Med. 2024 Feb;26(2):100992). Based on the available evidence, the clinical significance of this variant remains unclear.

NM_000038.6(APC):c.1564A>T (p.Met522Leu)

Gene: APC (APC regulator of Wnt signaling pathway; plus strand). Cytogenetic location: 5q22.2.
Variant type: single nucleotide variant.
Coding change: c.1564A>T on transcript NM_000038.6 (MANE Select); coding-DNA position 1564, A replaced by T.
Protein change: p.Met522Leu; replaces methionine 522 with leucine.
Molecular consequence: missense variant.
Genome position (GRCh38, 1-based): chr5:112,827,944, A>T. VCF-style: chr5-112827944-A-T. GRCh37 (hg19) VCF-style: chr5-112163641-A-T.
Other names: c.1480A>T, p.Met494Leu (NM_001354899.2); c.1441A>T, p.Met481Leu (NM_001354900.2); c.1387A>T, p.Met463Leu (NM_001354901.2, NM_001407453.1); c.1291A>T, p.Met431Leu (NM_001354902.2); c.1261A>T, p.Met421Leu (NM_001354903.2, NM_001407458.1, NM_001407459.1 and 1 more transcripts); c.1186A>T, p.Met396Leu (NM_001354904.2); c.1084A>T, p.Met362Leu (NM_001354905.2); c.715A>T, p.Met239Leu (NM_001354906.2, NM_001407470.1); and 11 more; short protein forms M138L, M494L, M532L, M396L, M421L, M439L, M497L, M504L.
Identifiers: ClinVar variation 4120764 (VCV004120764.1).
Genomic context (GRCh38, chr5:112,827,944, plus strand): 5'-CAAGTTGTCTTTTTAATGATCCTCTATTCTGTATTTAATTTACAGGCTACGCTATGCTCT[A>T]TGAAAGGCTGCATGAGAGCACTTGTGGCCCAACTAAAATCTGAAAGTGAAGACTTACAGC-3'
Protein context (NP_000029.2, residues 512-532): DVANKATLCS[Met522Leu]KGCMRALVAQ